The following is an entry in ClinVar:

NM_002778.4(PSAP):c.859G>T (p.Val287Leu)

Gene: PSAP (prosaposin; minus strand). Cytogenetic location: 10q22.1.
Variant type: single nucleotide variant.
Coding change: c.859G>T on transcript NM_002778.4 (MANE Select); coding-DNA position 859, G replaced by T.
Protein change: p.Val287Leu; replaces valine 287 with leucine.
Molecular consequence: missense variant.
Genome position (GRCh38, 1-based): chr10:71,821,926, C>A on the plus strand (G>T on the coding strand, the complement: PSAP is on the minus strand). VCF-style: chr10-71821926-C-A. GRCh37 (hg19) VCF-style: chr10-73581683-C-A.
Other names: c.868G>T, p.Val290Leu (NM_001042465.3); c.865G>T, p.Val289Leu (NM_001042466.3); c.859G>T (NM_002778.2); short protein forms V289L, V290L, V287L.
Identifiers: ClinVar variation 2045047 (VCV002045047.2), dbSNP rs907954436, ClinGen allele CA209457469.

ClinVar aggregate classification (germline): Uncertain significance. Review status: criteria provided, multiple submitters, no conflicts (2 of 4 stars). 2 submissions from 2 submitters: Uncertain significance (2). Last evaluated 2025-12-02.

Conditions:
Inborn genetic diseases. Identifiers: MedGen C0950123, MeSH D030342.
Sphingolipid activator protein 1 deficiency. Also called: METACHROMATIC LEUKODYSTROPHY DUE TO CEREBROSIDE SULFATASE ACTIVATOR DEFICIENCY; Metachromatic leukodystrophy due to saposin B deficiency; Saposin B Deficiency. Identifiers: Orphanet 512, MedGen C0268262, MONDO:0009590, OMIM 249900.

Allele frequency attached by ClinVar (database versions not stated): gnomAD 0.00003; TOPMed 0.00003.
gnomAD v4.1: 13 of 1,614,106 alleles (0.00081%); highest among the groups gnomAD compares: African/African-American, 0.0013%; no homozygotes.

Submissions (2):

Ambry Genetics
Classification: Uncertain significance for Inborn genetic diseases. Last evaluated: 2025-12-02. Review status: criteria provided, single submitter. Criteria: Ambry Variant Classification Scheme 2023. Collection method: clinical testing. Allele origin: germline.

Labcorp Genetics (formerly Invitae), Labcorp
Classification: Uncertain significance for Sphingolipid activator protein 1 deficiency. Last evaluated: 2022-08-22. Review status: criteria provided, single submitter. Criteria: Invitae Variant Classification Sherloc (09022015). Collection method: clinical testing. Allele origin: germline.
Comment: This sequence change replaces valine, which is neutral and non-polar, with leucine, which is neutral and non-polar, at codon 287 of the PSAP protein (p.Val287Leu). This variant is present in population databases (no rsID available, gnomAD 0.003%). This variant has not been reported in the literature in individuals affected with PSAP-related conditions. Algorithms developed to predict the effect of missense changes on protein structure and function are either unavailable or do not agree on the potential impact of this missense change (SIFT: "Not Available"; PolyPhen-2: "Benign"; Align-GVGD: "Not Available"). In summary, the available evidence is currently insufficient to determine the role of this variant in disease. Therefore, it has been classified as a Variant of Uncertain Significance.